The following is an entry in ClinVar:

ClinVar aggregate classification (germline): Uncertain significance (1 of 4 stars; one submission).

Conditions:
Pheochromocytoma/paraganglioma syndrome 3. Also called: GLOMUS TUMORS, FAMILIAL, 3; Paragangliomas 3; SDHC-Related Hereditary Paraganglioma-Pheochromocytoma Syndrome (Paragangliomas 3); SDHC-Related Hereditary Paraganglioma-Pheochromocytoma Syndrome. Identifiers: Orphanet 29072, MedGen C1854336, MONDO:0011544, OMIM 605373.
Gastrointestinal stromal tumor. Also called: Gastrointestinal stroma tumor; Gastrointestinal stromal tumor, somatic. Identifiers: Orphanet 44890, MedGen C0238198, MeSH D046152, MONDO:0011719, OMIM 606764, HP:0100723.

Submission:

Labcorp Genetics (formerly Invitae), Labcorp
Classification: Uncertain significance for Pheochromocytoma/paraganglioma syndrome 3; Gastrointestinal stromal tumor. Last evaluated: 2025-05-23. Review status: criteria provided, single submitter. Criteria: Invitae Variant Classification Sherloc (09022015). Collection method: clinical testing. Allele origin: germline.
Comment: This sequence change falls in intron 1 of the SDHC gene. It does not directly change the encoded amino acid sequence of the SDHC protein. It affects a nucleotide within the consensus splice site. This variant is not present in population databases (gnomAD no frequency). This variant has not been reported in the literature in individuals affected with SDHC-related conditions. Variants that disrupt the consensus splice site are a relatively common cause of aberrant splicing (PMID: 17576681, 9536098). Algorithms developed to predict the effect of sequence changes on RNA splicing suggest that this variant may disrupt the consensus splice site. In summary, the available evidence is currently insufficient to determine the role of this variant in disease. Therefore, it has been classified as a Variant of Uncertain Significance.

Literature cited by the submitters: PubMed 17576681; PubMed 9536098.

NM_003001.5(SDHC):c.20+4A>C

Gene: SDHC (succinate dehydrogenase complex subunit C; plus strand). Cytogenetic location: 1q23.3.
Variant type: single nucleotide variant.
Coding change: c.20+4A>C on transcript NM_003001.5 (MANE Select); 4 bases into the intron after coding-DNA position 20, A replaced by C.
Molecular consequence: intron variant. On other transcripts: 5 prime UTR variant (1).
Genome position (GRCh38, 1-based): chr1:161,314,429, A>C. VCF-style: chr1-161314429-A-C. GRCh37 (hg19) VCF-style: chr1-161284219-A-C.
Other names: c.-537A>C (NM_001407119.1); c.-210+4A>C (NM_001407120.1); c.20+4A>C (NM_001407115.1, NM_001035511.3, NM_001035512.3 and 6 more transcripts).
Identifiers: ClinVar variation 4785033 (VCV004785033.1).